The following is an entry in ClinVar:

NM_002439.5(MSH3):c.1886_1887del (p.Tyr629fs)

Gene: MSH3 (mutS homolog 3; plus strand). Cytogenetic location: 5q14.1.
Variant type: Deletion.
Coding change: c.1886_1887del on transcript NM_002439.5 (MANE Select); coding-DNA positions 1886 to 1887, 2 bases deleted (AT; older notation c.1886_1887delAT).
Protein change: p.Tyr629fs; shifts the reading frame from tyrosine 629.
Molecular consequence: frameshift variant.
Genome position (GRCh38, 1-based): chr5:80,761,668-80,761,669, AT deleted; deleting any 2 consecutive bases within chr5:80,761,667-80,761,669 gives the same sequence; the c. name uses the placement nearest the transcript's 3' end. VCF-style (leftmost placement, unchanged base first): chr5-80761666-TTA-T. GRCh37 (hg19) VCF-style: chr5-80057485-TTA-T.
Other names: short protein forms Y629fs.
Identifiers: ClinVar variation 1414013 (VCV001414013.6), dbSNP rs2112880063, ClinGen allele CA2573139878.

ClinVar aggregate classification (germline): Pathogenic (1 of 4 stars; one submission).

Submission:

Labcorp Genetics (formerly Invitae), Labcorp
Classification: Pathogenic. Last evaluated: 2021-07-25. Review status: criteria provided, single submitter. Criteria: Invitae Variant Classification Sherloc (09022015). Collection method: clinical testing. Allele origin: germline.
Comment: For these reasons, this variant has been classified as Pathogenic. This variant has not been reported in the literature in individuals affected with MSH3-related conditions. This variant is not present in population databases (ExAC no frequency). This sequence change creates a premature translational stop signal (p.Tyr629Serfs*31) in the MSH3 gene. It is expected to result in an absent or disrupted protein product. Loss-of-function variants in MSH3 are known to be pathogenic (PMID: 27476653).

Literature cited by the submitters: PubMed 27476653.